The following is an entry in ClinVar:

ClinVar aggregate classification (germline): Uncertain significance (1 of 4 stars; one submission).

Conditions:
Lamb-Shaffer syndrome. Identifiers: Orphanet 313884, Orphanet 313892, Orphanet 530983, MedGen C4225202, MONDO:0014778, OMIM 616803.

Submission:

New York Genome Center
Classification: Uncertain significance for Lamb-Shaffer syndrome. Last evaluated: 2021-06-11. Review status: criteria provided, single submitter. Criteria: NYGC Assertion Criteria 2020. Collection method: clinical testing. Allele origin: de novo. Observed: 1 heterozygote. Study: CSER-NYCKidSeq.
Comment: The de novo c.1017G>A (p.Gln339=) variant identified in the SOX5 gene is a synonymous single nucleotide variant in exon 8/15 (amino acid 339/764). While this variant is not expected to lead to a change of the amino acid sequence, it is the last nucleotide of the exon and therefore a role in splicing fidelity cannot be excluded. SpliceAI suggests this variant has low probability of leading to the gain of a donor splice site 32 base pairs upstream (delta score: 0.13). The Transcript inferred Pathogenicity score for this variant is 0.927, which is between 99.0-99.9% score-percentile for coding variants, suggesting it is probably damaging. This variant is absent from gnomAD(v3.1.1) suggesting it is not a common benign variant in the populations represented in that database. The c.1017G>A (p.Gln339=) variant identified here has not been reported in ClinVar and to our current knowledge has not been reported in affected individuals in the literature. While it is identified de novo in this individual and absent from population databases, the uncertainty regarding the functional consequence of this synonymous variant results in its classification as a Variant of Uncertain Significance.

NM_006940.6(SOX5):c.1017G>A (p.Gln339=)

Gene: SOX5 (SRY-box transcription factor 5; minus strand). Cytogenetic location: 12p12.1.
Variant type: single nucleotide variant.
Coding change: c.1017G>A on transcript NM_006940.6 (MANE Select); coding-DNA position 1017, G replaced by A.
Protein change: p.Gln339=; no amino-acid change (glutamine 339 retained).
Molecular consequence: synonymous variant.
Genome position (GRCh38, 1-based): chr12:23,640,812, C>T on the plus strand (G>A on the coding strand, the complement: SOX5 is on the minus strand). VCF-style: chr12-23640812-C-T. GRCh37 (hg19) VCF-style: chr12-23793746-C-T.
Other names: c.978G>A, p.Gln326= (NM_001261414.3, NM_152989.5); c.987G>A, p.Gln329= (NM_001261415.3); c.912G>A, p.Gln304= (NM_001330785.2).
Identifiers: ClinVar variation 1696452 (VCV001696452.1), dbSNP rs2138723102, ClinGen allele CA479000280.